The following is an entry in ClinVar:

ClinVar aggregate classification (germline): Uncertain significance (1 of 4 stars; one submission).

Conditions:
ELN-related disorder.

Submission:

PreventionGenetics, part of Exact Sciences
Classification: Uncertain significance for ELN-related condition. Last evaluated: 2023-05-08. Review status: criteria provided, single submitter. Criteria: ACMG Guidelines, 2015. Collection method: clinical testing. Allele origin: germline.
Comment: The ELN c.1495C>G variant is predicted to result in the amino acid substitution p.Pro499Ala. To our knowledge, this variant has not been reported in the literature or in a large population database, indicating this variant is rare. At this time, the clinical significance of this variant is uncertain due to the absence of conclusive functional and genetic evidence.

NM_000501.4(ELN):c.1495C>G (p.Pro499Ala)

Genes: ELN (elastin; plus strand), ELN-AS1 (ELN antisense RNA 1; minus strand). Cytogenetic location: 7q11.23.
Variant type: single nucleotide variant.
Coding change: c.1495C>G on transcript NM_000501.4 (MANE Select); coding-DNA position 1495, C replaced by G.
Protein change: p.Pro499Ala; replaces proline 499 with alanine.
Molecular consequence: missense variant. On other transcripts: non-coding transcript variant (1).
Genome position (GRCh38, 1-based): chr7:74,059,966, C>G. VCF-style: chr7-74059966-C-G. GRCh37 (hg19) VCF-style: chr7-73474296-C-G.
Other names: c.1408C>G, p.Pro470Ala (NM_001081752.3); c.1453C>G, p.Pro485Ala (NM_001081753.3); c.1510C>G, p.Pro504Ala (NM_001081754.3); c.1438C>G, p.Pro480Ala (NM_001081755.3); c.1495C>G, p.Pro499Ala (NM_001278912.2); c.1252C>G, p.Pro418Ala (NM_001278913.2); c.1423C>G, p.Pro475Ala (NM_001278914.2); c.1513C>G, p.Pro505Ala (NM_001278915.2); and 4 more; short protein forms P410A, P418A, P466A, P470A, P475A, P480A, P485A, P489A.
Identifiers: ClinVar variation 2633020 (VCV002633020.1), dbSNP rs2486280738, ClinGen allele CA367885101.